The following is an entry in ClinVar:

ClinVar aggregate classification (germline): Uncertain significance (1 of 4 stars; one submission).

gnomAD v4.1: 1 of 1,015,220 alleles (0.000099%); highest among the groups gnomAD compares: East Asian, 0.0042%; no homozygotes.

Submission:

Labcorp Genetics (formerly Invitae), Labcorp
Classification: Uncertain significance. Last evaluated: 2024-05-14. Review status: criteria provided, single submitter. Criteria: Invitae Variant Classification Sherloc (09022015). Collection method: clinical testing. Allele origin: germline.
Comment: This sequence change replaces isoleucine, which is neutral and non-polar, with asparagine, which is neutral and polar, at codon 70 of the GPR143 protein (p.Ile70Asn). This variant is not present in population databases (gnomAD no frequency). This variant has not been reported in the literature in individuals affected with GPR143-related conditions. Advanced modeling of protein sequence and biophysical properties (such as structural, functional, and spatial information, amino acid conservation, physicochemical variation, residue mobility, and thermodynamic stability) performed at Invitae indicates that this missense variant is expected to disrupt GPR143 protein function with a positive predictive value of 80%. In summary, the available evidence is currently insufficient to determine the role of this variant in disease. Therefore, it has been classified as a Variant of Uncertain Significance.

NM_000273.3(GPR143):c.209T>A (p.Ile70Asn)

Gene: GPR143 (G protein-coupled receptor 143; minus strand). Cytogenetic location: Xp22.2.
Variant type: single nucleotide variant.
Coding change: c.209T>A on transcript NM_000273.3 (MANE Select); coding-DNA position 209, T replaced by A.
Protein change: p.Ile70Asn; replaces isoleucine 70 with asparagine.
Molecular consequence: missense variant.
Genome position (GRCh38, 1-based): chrX:9,765,609, A>T on the plus strand (T>A on the coding strand, the complement: GPR143 is on the minus strand). VCF-style: chrX-9765609-A-T. GRCh37 (hg19) VCF-style: chrX-9733649-A-T.
Other names: short protein forms I70N.
Identifiers: ClinVar variation 3653384 (VCV003653384.2).